The following is an entry in ClinVar:

ClinVar aggregate classification (germline): Likely benign. Review status: criteria provided, single submitter (1 of 4 stars). 2 submissions from 2 submitters: Likely benign (1). 1 of the submissions does not count toward it. Last evaluated 2026-02-01.

Conditions:
MAPKAPK3-related disorder. Also called: MAPKAPK3-related condition.

Allele frequency attached by ClinVar (database versions not stated): 1000 Genomes Project 0.00060; 1000 Genomes Project 30x 0.00062; gnomAD 0.00143 and 0.00144; gnomAD exomes 0.00143; TOPMed 0.00144; ExAC 0.00151; ESP Exome Variant Server 0.00185.
gnomAD v4.1: 3,983 of 1,613,474 alleles (0.25%); highest among the groups gnomAD compares: Non-Finnish European, 0.3%; 15 homozygotes.

Submissions (2):

Labcorp Genetics (formerly Invitae), Labcorp
Classification: Likely benign. Last evaluated: 2026-02-01. Review status: criteria provided, single submitter. Criteria: Invitae Variant Classification Sherloc (09022015). Collection method: clinical testing. Allele origin: germline.

PreventionGenetics, part of Exact Sciences
Classification: Likely benign for MAPKAPK3-related condition. Last evaluated: 2019-07-15. Review status: no assertion criteria provided. Collection method: clinical testing. Allele origin: germline. Not counted in ClinVar's aggregate classification.
Comment: This variant is classified as likely benign based on ACMG/AMP sequence variant interpretation guidelines (Richards et al. 2015 PMID: 25741868, with internal and published modifications).

NM_001243925.2(MAPKAPK3):c.194G>T (p.Arg65Leu)

Gene: MAPKAPK3 (MAPK activated protein kinase 3; plus strand). Cytogenetic location: 3p21.2.
Variant type: single nucleotide variant.
Coding change: c.194G>T on transcript NM_001243925.2 (MANE Select); coding-DNA position 194, G replaced by T.
Protein change: p.Arg65Leu; replaces arginine 65 with leucine.
Molecular consequence: missense variant.
Genome position (GRCh38, 1-based): chr3:50,617,759, G>T. VCF-style: chr3-50617759-G-T. GRCh37 (hg19) VCF-style: chr3-50655190-G-T.
Other names: c.194G>T, p.Arg65Leu (NM_001243926.2, NM_004635.5); c.194G>T (NM_001243926.1); short protein forms R65L.
Identifiers: ClinVar variation 1154599 (VCV001154599.9), dbSNP rs35362731, ClinGen allele CA2420176.